The following is an entry in ClinVar:

NM_173354.5(SIK1):c.1319T>A (p.Leu440Gln)

Gene: SIK1 (salt inducible kinase 1; minus strand). Cytogenetic location: 21q22.3.
Variant type: single nucleotide variant.
Coding change: c.1319T>A on transcript NM_173354.5 (MANE Select); coding-DNA position 1319, T replaced by A.
Protein change: p.Leu440Gln; replaces leucine 440 with glutamine.
Molecular consequence: missense variant.
Genome position (GRCh38, 1-based): chr21:43,419,164, A>T on the plus strand (T>A on the coding strand, the complement: SIK1 is on the minus strand). VCF-style: chr21-43419164-A-T. GRCh37 (hg19) VCF-style: chr21-44839044-A-T.
Other names: c.1319T>A (NM_173354.3); short protein forms L440Q.
Identifiers: ClinVar variation 2855040 (VCV002855040.4), dbSNP rs1160222772, ClinGen allele CA410608262.

ClinVar aggregate classification (germline): Uncertain significance. Review status: criteria provided, multiple submitters, no conflicts (2 of 4 stars). 2 submissions from 2 submitters: Uncertain significance (2). Last evaluated 2025-03-22.

Conditions:
Developmental and epileptic encephalopathy, 30 (DEE30). Also called: Epileptic encephalopathy, early infantile, 30. Identifiers: MedGen C4225360, MONDO:0014595, OMIM 616341.
Inborn genetic diseases. Identifiers: MedGen C0950123, MeSH D030342.

Submissions (2):

Ambry Genetics
Classification: Uncertain significance for Inborn genetic diseases. Last evaluated: 2025-03-22. Review status: criteria provided, single submitter. Criteria: Ambry Variant Classification Scheme 2023. Collection method: clinical testing. Allele origin: germline.

Labcorp Genetics (formerly Invitae), Labcorp
Classification: Uncertain significance for Developmental and epileptic encephalopathy, 30. Last evaluated: 2023-12-25. Review status: criteria provided, single submitter. Criteria: Invitae Variant Classification Sherloc (09022015). Collection method: clinical testing. Allele origin: germline.
Comment: This sequence change replaces leucine, which is neutral and non-polar, with glutamine, which is neutral and polar, at codon 440 of the SIK1 protein (p.Leu440Gln). This variant is present in population databases (no rsID available, gnomAD 0.01%). This variant has not been reported in the literature in individuals affected with SIK1-related conditions. Advanced modeling of protein sequence and biophysical properties (such as structural, functional, and spatial information, amino acid conservation, physicochemical variation, residue mobility, and thermodynamic stability) performed at Invitae indicates that this missense variant is not expected to disrupt SIK1 protein function with a negative predictive value of 95%. In summary, the available evidence is currently insufficient to determine the role of this variant in disease. Therefore, it has been classified as a Variant of Uncertain Significance.